The following is an entry in ClinVar:

NM_000535.7(PMS2):c.884G>A (p.Arg295Gln)

Gene: PMS2 (PMS1 homolog 2, mismatch repair system component; minus strand). Cytogenetic location: 7p22.1.
Variant type: single nucleotide variant.
Coding change: c.884G>A on transcript NM_000535.7 (MANE Select); coding-DNA position 884, G replaced by A.
Protein change: p.Arg295Gln; replaces arginine 295 with glutamine.
Molecular consequence: missense variant. On other transcripts: 5 prime UTR variant (2), non-coding transcript variant (1).
Genome position (GRCh38, 1-based): chr7:5,995,553, C>T on the plus strand (G>A on the coding strand, the complement: PMS2 is on the minus strand). VCF-style: chr7-5995553-C-T. GRCh37 (hg19) VCF-style: chr7-6035184-C-T.
Other names: p.R295Q:CGG>CAG; c.479G>A, p.Arg160Gln (NM_001322003.2, NM_001322004.2, NM_001322005.2 and 2 more transcripts); c.884G>A, p.Arg295Gln (NM_001322006.2, NM_001322014.2); c.566G>A, p.Arg189Gln (NM_001322007.2, NM_001322008.2); c.-50G>A (NM_001322011.2, NM_001322012.2); c.311G>A, p.Arg104Gln (NM_001322013.2); c.575G>A, p.Arg192Gln (NM_001322015.2); short protein forms R295Q, R189Q, R104Q, R160Q, R192Q.
Identifiers: ClinVar variation 127800 (VCV000127800.31), dbSNP rs369763423, ClinGen allele CA013162.

ClinVar aggregate classification (germline): Uncertain significance. Review status: criteria provided, multiple submitters, no conflicts (2 of 4 stars). 7 submissions from 7 submitters: Uncertain significance (7). Last evaluated 2025-10-26.

Conditions:
Hereditary nonpolyposis colorectal neoplasms. Identifiers: MedGen C0009405, MeSH D003123.
Hereditary cancer-predisposing syndrome. Also called: Hereditary neoplastic syndrome; Neoplastic Syndromes, Hereditary; Hereditary Cancer Syndrome; Tumor predisposition. Identifiers: Orphanet 140162, MedGen C0027672, MeSH D009386, MONDO:0015356.
Lynch syndrome. Identifiers: Orphanet 144, MedGen C4552100, MONDO:0005835. Disease mechanism: loss of function.
Lynch syndrome 4 (LYNCH4). Also called: Colorectal cancer, hereditary nonpolyposis, type 4; Hereditary non-polyposis colorectal cancer, type 4. Identifiers: Orphanet 144, MedGen C1838333, MONDO:0013699, OMIM 614337. Disease mechanism: loss of function.

Allele frequency attached by ClinVar (database versions not stated): gnomAD 0.00001; gnomAD exomes 0.00001; TOPMed 0.00001.
gnomAD v4.1: 11 of 1,613,392 alleles (0.00068%); highest among the groups gnomAD compares: East Asian, 0.0022%; no homozygotes.

Submissions (7):

Labcorp Genetics (formerly Invitae), Labcorp
Classification: Uncertain significance for Hereditary nonpolyposis colorectal neoplasms. Last evaluated: 2025-10-26. Review status: criteria provided, single submitter. Criteria: Invitae Variant Classification Sherloc (09022015). Collection method: clinical testing. Allele origin: germline.
Comment: This sequence change replaces arginine, which is basic and polar, with glutamine, which is neutral and polar, at codon 295 of the PMS2 protein (p.Arg295Gln). This variant is present in population databases (rs369763423, gnomAD 0.006%). This missense change has been observed in individual(s) with breast cancer (PMID: 35449176). ClinVar contains an entry for this variant (Variation ID: 127800). Invitae Evidence Modeling incorporating data from in vitro experimental studies (internal data) indicates that this missense variant is not expected to disrupt PMS2 function with a negative predictive value of 95%. RNA analysis performed to evaluate the impact of this missense change on mRNA splicing indicates it does not significantly alter splicing (internal data). In summary, the available evidence is currently insufficient to determine the role of this variant in disease. Therefore, it has been classified as a Variant of Uncertain Significance.

Ambry Genetics
Classification: Uncertain significance for Hereditary cancer-predisposing syndrome. Last evaluated: 2025-03-18. Review status: criteria provided, single submitter. Criteria: Ambry Variant Classification Scheme 2023. Collection method: clinical testing. Allele origin: germline.
Comment: The p.R295Q variant (also known as c.884G>A), located in coding exon 8 of the PMS2 gene, results from a G to A substitution at nucleotide position 884. The arginine at codon 295 is replaced by glutamine, an amino acid with highly similar properties. This amino acid position is highly conserved in available vertebrate species. In addition, this alteration is predicted to be deleterious by in silico analysis. Based on the available evidence, the clinical significance of this alteration remains unclear.

GeneDx
Classification: Uncertain significance. Last evaluated: 2024-11-21. Review status: criteria provided, single submitter. Criteria: GeneDx Variant Classification Process June 2021. Collection method: clinical testing. Allele origin: germline. Affected: yes.
Comment: Not observed at significant frequency in large population cohorts (gnomAD); In silico analysis supports that this missense variant has a deleterious effect on protein structure/function; This variant is associated with the following publications: (PMID: 35449176, 11574484, 33471991, 27978560)

Women's Health and Genetics/Laboratory Corporation of America, LabCorp
Classification: Uncertain significance. Last evaluated: 2024-05-28. Review status: criteria provided, single submitter. Criteria: LabCorp Variant Classification Summary - May 2015. Collection method: clinical testing. Allele origin: germline.
Comment: Variant summary: PMS2 c.884G>A (p.Arg295Gln) results in a conservative amino acid change located in the DNA mismatch repair protein, S5 domain 2-like domain (IPR013507) of the encoded protein sequence. Four of five in-silico tools predict a damaging effect of the variant on protein function. The variant allele was found at a frequency of 4e-06 in 251372 control chromosomes. The available data on variant occurrences in the general population are insufficient to allow any conclusion about variant significance. c.884G>A has been reported in the literature in the heterozygous state in individuals affected with breast cancer (e.g. Hu_2022). These report(s) do not provide unequivocal conclusions about association of the variant with Lynch Syndrome. To our knowledge, no experimental evidence demonstrating an impact on protein function has been reported. The following publication have been ascertained in the context of this evaluation (PMID: 35449176). ClinVar contains an entry for this variant (Variation ID: 127800). Based on the evidence outlined above, the variant was classified as uncertain significance.

Color Diagnostics, LLC DBA Color Health
Classification: Uncertain significance for Hereditary cancer-predisposing syndrome. Last evaluated: 2024-03-04. Review status: criteria provided, single submitter. Criteria: ACMG Guidelines, 2015. Collection method: clinical testing. Allele origin: germline.
Comment: This missense variant replaces arginine with glutamine at codon 295 of the PMS2 protein. Computational prediction suggests that this variant may have deleterious impact on protein structure and function (internally defined REVEL score threshold >= 0.7, PMID: 27666373). To our knowledge, functional studies have not been reported for this variant. This variant has been reported in an individual affected with colorectal cancer (PMID: 27978560) and in an individual affected with breast cancer (PMID: 35449176). In a large breast cancer case-control study, this variant was reported in 2/60466 cases and 2/53461 unaffected controls (PMID: 33471991). This variant has been identified in 1/251372 chromosomes in the general population by the Genome Aggregation Database (gnomAD). The available evidence is insufficient to determine the role of this variant in disease conclusively. Therefore, this variant is classified as a Variant of Uncertain Significance.

All of Us Research Program, National Institutes of Health
Classification: Uncertain significance for Lynch syndrome. Last evaluated: 2023-11-30. Review status: criteria provided, single submitter. Criteria: ACMG Guidelines, 2015. Collection method: clinical testing. Allele origin: germline. Inheritance: Autosomal dominant inheritance. Observed: 6 variant alleles, 6 heterozygotes.
Comment: This missense variant replaces arginine with glutamine at codon 295 of the PMS2 protein. Computational prediction suggests that this variant may have deleterious impact on protein structure and function (internally defined REVEL score threshold >= 0.7, PMID: 27666373). To our knowledge, functional studies have not been reported for this variant. This variant has been reported in an individual affected with colorectal cancer (PMID: 27978560). In a large breast cancer case-control study, this variant was reported in 2/60466 cases and 2/53461 unaffected controls (PMID: 33471991). This variant has been identified in 1/251372 chromosomes in the general population by the Genome Aggregation Database (gnomAD). The available evidence is insufficient to determine the role of this variant in disease conclusively. Therefore, this variant is classified as a Variant of Uncertain Significance.

This study involves interpretation of variants in research participants for the purpose of population health screening. Participant phenotype was not available at the time of variant classification. Additional details can be found in publication PMID: 35346344, PMCID: PMC8962531

Baylor Genetics
Classification: Uncertain significance for Lynch syndrome 4. Last evaluated: 2023-07-01. Review status: criteria provided, single submitter. Criteria: ACMG Guidelines, 2015. Collection method: clinical testing. Allele origin: unknown.

Literature cited by the submitters: PubMed 35449176 (cited by 3 submitters); PubMed 27978560 (cited by 3 submitters); PubMed 33471991 (cited by 3 submitters).